The following is an entry in ClinVar:

ClinVar aggregate classification (germline): Uncertain significance (1 of 4 stars; one submission).

Conditions:
Cardiovascular phenotype. Identifiers: MedGen CN230736.

gnomAD v4.1: 10 of 1,613,482 alleles (0.00062%); highest among the groups gnomAD compares: Non-Finnish European, 0.00076%; no homozygotes.

Submission:

Ambry Genetics
Classification: Uncertain significance for Cardiovascular phenotype. Last evaluated: 2025-04-20. Review status: criteria provided, single submitter. Criteria: Ambry Variant Classification Scheme 2023. Collection method: clinical testing. Allele origin: germline.
Comment: The p.H2871R variant (also known as c.8612A>G), located in coding exon 24 of the TNXB gene, results from an A to G substitution at nucleotide position 8612. The histidine at codon 2871 is replaced by arginine, an amino acid with highly similar properties. This amino acid position is conserved. In addition, this alteration is predicted to be tolerated by in silico analysis. Based on the available evidence, the clinical significance of this variant remains unclear.

NM_001365276.2(TNXB):c.8618A>G (p.His2873Arg)

Gene: TNXB (tenascin XB; minus strand). Cytogenetic location: 6p21.33.
Variant type: single nucleotide variant.
Coding change: c.8618A>G on transcript NM_001365276.2 (MANE Select); coding-DNA position 8618, A replaced by G.
Protein change: p.His2873Arg; replaces histidine 2873 with arginine.
Molecular consequence: missense variant.
Genome position (GRCh38, 1-based): chr6:32,053,561, T>C on the plus strand (A>G on the coding strand, the complement: TNXB is on the minus strand). VCF-style: chr6-32053561-T-C. GRCh37 (hg19) VCF-style: chr6-32021338-T-C.
Other names: c.9359A>G, p.His3120Arg (NM_001428335.1); c.8612A>G, p.His2871Arg (NM_019105.8); short protein forms H2871R, H3120R, H2873R.
Identifiers: ClinVar variation 3972002 (VCV003972002.1).